The following is an entry in ClinVar:

NM_003859.3(DPM1):c.701G>A (p.Arg234His)

Genes: ADNP-AS1 (ADNP antisense RNA 1; plus strand), DPM1 (dolichyl-phosphate mannosyltransferase subunit 1, catalytic; minus strand). Cytogenetic location: 20q13.13.
Variant type: single nucleotide variant.
Coding change: c.701G>A on transcript NM_003859.3 (MANE Select); coding-DNA position 701, G replaced by A.
Protein change: p.Arg234His; replaces arginine 234 with histidine.
Molecular consequence: missense variant. On other transcripts: non-coding transcript variant (1).
Genome position (GRCh38, 1-based): chr20:50,935,214, C>T on the plus strand (G>A on the coding strand, the complement: DPM1 is on the minus strand). VCF-style: chr20-50935214-C-T. GRCh37 (hg19) VCF-style: chr20-49551751-C-T.
Other names: c.806G>A, p.Arg269His (NM_001317034.1); c.782G>A, p.Arg261His (NM_001317035.1); c.632G>A, p.Arg211His (NM_001317036.1); short protein forms R234H, R269H, R211H, R261H.
Identifiers: ClinVar variation 429484 (VCV000429484.10), dbSNP rs760322056, ClinGen allele CA9908996.

ClinVar aggregate classification (germline): Uncertain significance. Review status: criteria provided, multiple submitters, no conflicts (2 of 4 stars). 3 submissions from 3 submitters: Uncertain significance (3). Last evaluated 2024-08-20.

Conditions:
Congenital disorder of glycosylation type 1E (CDG1E). Also called: CONGENITAL DISORDER OF GLYCOSYLATION, TYPE Ie; CDG Ie. Identifiers: Orphanet 79322, MedGen C1837396, MONDO:0012123, OMIM 608799.
Inborn genetic diseases. Identifiers: MedGen C0950123, MeSH D030342.

Allele frequency attached by ClinVar (database versions not stated): ExAC 0.00001; gnomAD 0.00001; gnomAD exomes 0.00001; TOPMed 0.00001.
gnomAD v4.1: 12 of 1,606,626 alleles (0.00075%); highest among the groups gnomAD compares: East Asian, 0.0022%; no homozygotes.

Submissions (3):

Ambry Genetics
Classification: Uncertain significance for Inborn genetic diseases. Last evaluated: 2024-08-20. Review status: criteria provided, single submitter. Criteria: Ambry Variant Classification Scheme 2023. Collection method: clinical testing. Allele origin: germline.

Labcorp Genetics (formerly Invitae), Labcorp
Classification: Uncertain significance for Congenital disorder of glycosylation type 1E. Last evaluated: 2022-07-19. Review status: criteria provided, single submitter. Criteria: Invitae Variant Classification Sherloc (09022015). Collection method: clinical testing. Allele origin: germline.
Comment: This sequence change replaces arginine, which is basic and polar, with histidine, which is basic and polar, at codon 234 of the DPM1 protein (p.Arg234His). This variant is present in population databases (rs760322056, gnomAD 0.007%). This variant has not been reported in the literature in individuals affected with DPM1-related conditions. ClinVar contains an entry for this variant (Variation ID: 429484). Algorithms developed to predict the effect of missense changes on protein structure and function are either unavailable or do not agree on the potential impact of this missense change (SIFT: "Deleterious"; PolyPhen-2: "Possibly Damaging"; Align-GVGD: "Class C0"). In summary, the available evidence is currently insufficient to determine the role of this variant in disease. Therefore, it has been classified as a Variant of Uncertain Significance.

GeneDx
Classification: Uncertain significance. Last evaluated: 2019-01-02. Review status: criteria provided, single submitter. Criteria: GeneDx Variant Classification (06012015). Collection method: clinical testing. Allele origin: germline. Affected: yes.
Comment: The R234H variant has not been published as a pathogenic variant, nor has it been reported as a benign variant to our knowledge. The R234H variant is not observed in large population cohorts (Lek et al., 2016; 1000 Genomes Consortium et al., 2015; Exome Variant Server). This variant is a conservative amino acid substitution, which is not likely to impact secondary protein structure as these residues share similar properties. However, this substitution occurs at a position that is conserved across species, and in silico analysis predicts this variant is probably damaging to the protein structure/function.